The following is an entry in ClinVar:

ClinVar aggregate classification (germline): Uncertain significance (3 of 4 stars; one submission).

Conditions:
Glanzmann thrombasthenia. Also called: Glanzmann's thrombasthenia; PLATELET GLYCOPROTEIN IIb-IIIa DEFICIENCY; BLEEDING DISORDER, PLATELET-TYPE, 2; THROMBASTHENIA OF GLANZMANN AND NAEGELI; Thrombasthenia. Identifiers: Orphanet 849, MedGen C0040015, MONDO:0100326.

Submission:

ClinGen Platelet Disorders Variant Curation Expert Panel, ClinGen
Classification: Uncertain significance for Glanzmann thrombasthenia. Last evaluated: 2023-05-16. Review status: reviewed by expert panel. Criteria: ClinGen Platelet ACMG Specifications v2-1. Collection method: curation. Allele origin: germline. Inheritance: Autosomal recessive inheritance.
Comment: The NM_000419.5:c.1620G>C variant in ITGA2B predicts the missense change, Gln540His. The variant is absent from gnomAD v2.1.1 and v3 (PM2_supporting). The variant is reported in an individual homozygous for this variant (PM3_supporting) and the Leu539Arg in ITGA2B, not meeting criteria for PP4 (PMID: 30792900). The variant also has a low REVEL score (0.377) not meeting criteria for PP3 (>0.7) or BP4 (<0.25). In summary, this variant meets the criteria to be classified as uncertain significance for autosomal recessive Glanzmann Thrombasthenia based on the ACMG/AMP criteria applied, as specified by the ClinGen PD VCEP: PM2_Supporting, PM3_supporting (PD VCEP specifications version 2.1).

NM_000419.5(ITGA2B):c.1620G>C (p.Gln540His)

Gene: ITGA2B (integrin subunit alpha 2b; minus strand). Cytogenetic location: 17q21.31.
Variant type: single nucleotide variant.
Coding change: c.1620G>C on transcript NM_000419.5 (MANE Select); coding-DNA position 1620, G replaced by C.
Protein change: p.Gln540His; replaces glutamine 540 with histidine.
Molecular consequence: missense variant.
Genome position (GRCh38, 1-based): chr17:44,380,134, C>G on the plus strand (G>C on the coding strand, the complement: ITGA2B is on the minus strand). VCF-style: chr17-44380134-C-G. GRCh37 (hg19) VCF-style: chr17-42457502-C-G.
Other names: short protein forms Q540H.
Identifiers: ClinVar variation 996198 (VCV000996198.3), dbSNP rs2048581681, ClinGen allele CA399802407.